The following is an entry in ClinVar:

NM_001267550.2(TTN):c.92277A>G (p.Arg30759=)

Genes: TTN (titin; minus strand), TTN-AS1 (TTN antisense RNA 1; plus strand). Cytogenetic location: 2q31.2.
Variant type: single nucleotide variant.
Coding change: c.92277A>G on transcript NM_001267550.2 (MANE Select); coding-DNA position 92277, A replaced by G.
Protein change: p.Arg30759=; no amino-acid change (arginine 30759 retained).
Molecular consequence: synonymous variant.
Genome position (GRCh38, 1-based): chr2:178,549,349, T>C on the plus strand (A>G on the coding strand, the complement: TTN is on the minus strand). VCF-style: chr2-178549349-T-C. GRCh37 (hg19) VCF-style: chr2-179414076-T-C.
Other names: c.87354A>G, p.Arg29118= (NM_001256850.1); c.65082A>G, p.Arg21694= (NM_003319.4); c.84573A>G, p.Arg28191= (NM_133378.4); c.65457A>G, p.Arg21819= (NM_133432.3); c.65658A>G, p.Arg21886= (NM_133437.4).
Identifiers: ClinVar variation 4873636 (VCV004873636.2).

ClinVar aggregate classification (germline): Uncertain significance (1 of 4 stars; one submission).

Submission:

CeGaT Center for Human Genetics Tuebingen
Classification: Uncertain significance. Last evaluated: 2026-04-01. Review status: criteria provided, single submitter. Criteria: CeGaT Center For Human Genetics Tuebingen Variant Classification Criteria Version 2. Collection method: clinical testing. Allele origin: germline. Affected: yes. Observed: 1 variant allele.
Comment: TTN: PM2:Supporting, BP4